The following is an entry in ClinVar:

NM_021964.3(ZNF148):c.2272C>T (p.Arg758Trp)

Genes: ZNF148 (zinc finger protein 148; minus strand), LOC126806798 (P300/CBP strongly-dependent group 1 enhancer GRCh37_chr3:124950809-124952008; plus strand). Cytogenetic location: 3q21.2.
Variant type: single nucleotide variant.
Coding change: c.2272C>T on transcript NM_021964.3 (MANE Select); coding-DNA position 2272, C replaced by T.
Protein change: p.Arg758Trp; replaces arginine 758 with tryptophan.
Molecular consequence: missense variant.
Genome position (GRCh38, 1-based): chr3:125,232,454, G>A on the plus strand (C>T on the coding strand, the complement: ZNF148 is on the minus strand). VCF-style: chr3-125232454-G-A. GRCh37 (hg19) VCF-style: chr3-124951298-G-A.
Other names: c.2272C>T, p.Arg758Trp (NM_001348424.1, NM_001348425.2, NM_001348426.2 and 7 more transcripts); c.2146C>T, p.Arg716Trp (NM_001348434.2); short protein forms R716W, R758W.
Identifiers: ClinVar variation 1703131 (VCV001703131.3), dbSNP rs2472620726, ClinGen allele CA354293252.

ClinVar aggregate classification (germline): Uncertain significance (1 of 4 stars; one submission).

Allele frequency attached by ClinVar (database versions not stated): gnomAD exomes below 0.00001.
gnomAD v4.1: 1 of 1,613,480 alleles (0.000062%); highest among the groups gnomAD compares: Non-Finnish European, 0.000085%; no homozygotes.

Submission:

Greenwood Genetic Center Diagnostic Laboratories, Greenwood Genetic Center
Classification: Uncertain significance. Last evaluated: 2022-04-12. Review status: criteria provided, single submitter. Criteria: ACMG Guidelines, 2015. Collection method: clinical testing. Allele origin: germline. Affected: yes.
Comment: PM2, PP2